The following is an entry in ClinVar:

NM_006904.7(PRKDC):c.9292A>G (p.Arg3098Gly)

Gene: PRKDC (protein kinase, DNA-activated, catalytic subunit; minus strand). Cytogenetic location: 8q11.21.
Variant type: single nucleotide variant.
Coding change: c.9292A>G on transcript NM_006904.7 (MANE Select); coding-DNA position 9292, A replaced by G.
Protein change: p.Arg3098Gly; replaces arginine 3098 with glycine.
Molecular consequence: missense variant.
Genome position (GRCh38, 1-based): chr8:47,820,763, T>C on the plus strand (A>G on the coding strand, the complement: PRKDC is on the minus strand). VCF-style: chr8-47820763-T-C. GRCh37 (hg19) VCF-style: chr8-48733324-T-C.
Other names: c.9292A>G, p.Arg3098Gly (NM_001081640.2); short protein forms R3098G.
Identifiers: ClinVar variation 583396 (VCV000583396.6), dbSNP rs377579402, ClinGen allele CA4739629.

ClinVar aggregate classification (germline): Uncertain significance (1 of 4 stars; one submission).

Conditions:
Severe combined immunodeficiency due to DNA-PKcs deficiency. Also called: IMMUNODEFICIENCY 26 WITH NEUROLOGIC ABNORMALITIES; Immunodeficiency 26 with or without neurologic abnormalities. Identifiers: Orphanet 317425, MedGen C4014833, MONDO:0014423, OMIM 615966.

Allele frequency attached by ClinVar (database versions not stated): gnomAD 0.00005; gnomAD exomes 0.00007 and 0.00012; TOPMed 0.00007; ExAC 0.00013; ESP Exome Variant Server 0.00017.
gnomAD v4.1: 184 of 1,601,274 alleles (0.011%); highest among the groups gnomAD compares: Non-Finnish European, 0.015%; no homozygotes.

Submission:

Labcorp Genetics (formerly Invitae), Labcorp
Classification: Uncertain significance for Severe combined immunodeficiency due to DNA-PKcs deficiency. Last evaluated: 2025-01-13. Review status: criteria provided, single submitter. Criteria: Invitae Variant Classification Sherloc (09022015). Collection method: clinical testing. Allele origin: germline.
Comment: This sequence change replaces arginine, which is basic and polar, with glycine, which is neutral and non-polar, at codon 3098 of the PRKDC protein (p.Arg3098Gly). This variant is present in population databases (rs377579402, gnomAD 0.01%). This variant has not been reported in the literature in individuals affected with PRKDC-related conditions. ClinVar contains an entry for this variant (Variation ID: 583396). Invitae Evidence Modeling of protein sequence and biophysical properties (such as structural, functional, and spatial information, amino acid conservation, physicochemical variation, residue mobility, and thermodynamic stability) indicates that this missense variant is expected to disrupt PRKDC protein function with a positive predictive value of 80%. In summary, the available evidence is currently insufficient to determine the role of this variant in disease. Therefore, it has been classified as a Variant of Uncertain Significance.